The following is an entry in ClinVar:

NM_198578.4(LRRK2):c.5725A>T (p.Asn1909Tyr)

Gene: LRRK2 (leucine rich repeat kinase 2; plus strand). Cytogenetic location: 12q12.
Variant type: single nucleotide variant.
Coding change: c.5725A>T on transcript NM_198578.4 (MANE Select); coding-DNA position 5725, A replaced by T.
Protein change: p.Asn1909Tyr; replaces asparagine 1909 with tyrosine.
Molecular consequence: missense variant.
Genome position (GRCh38, 1-based): chr12:40,328,428, A>T. VCF-style: chr12-40328428-A-T. GRCh37 (hg19) VCF-style: chr12-40722230-A-T.
Other names: short protein forms N1909Y.
Identifiers: ClinVar variation 1314062 (VCV001314062.5), dbSNP rs2136915904, ClinGen allele CA384399688.
Genomic context (GRCh38, chr12:40,328,428, plus strand): 5'-AGTTTTGGATCAGTTTACCGAGCAGCCTATGAAGGAGAAGAAGTGGCTGTGAAGATTTTT[A>T]ATAAACATACATCACTCAGGCTGTTAAGACAAGTAAGAAATTCAATAATATAATTATATT-3'
Protein context (NP_940980.4, residues 1899-1919): EGEEVAVKIF[Asn1909Tyr]KHTSLRLLRQ

ClinVar aggregate classification (germline): Uncertain significance. Review status: criteria provided, multiple submitters, no conflicts (2 of 4 stars). 2 submissions from 2 submitters: Uncertain significance (2). Last evaluated 2024-06-23.

Conditions:
Inborn genetic diseases. Identifiers: MedGen C0950123, MeSH D030342.

Submissions (2):

Ambry Genetics
Classification: Uncertain significance for Inborn genetic diseases. Last evaluated: 2024-06-23. Review status: criteria provided, single submitter. Criteria: Ambry Variant Classification Scheme 2023. Collection method: clinical testing. Allele origin: germline.
Comment: The p.N1909Y variant (also known as c.5725A>T), located in coding exon 39 of the LRRK2 gene, results from an A to T substitution at nucleotide position 5725. The asparagine at codon 1909 is replaced by tyrosine, an amino acid with dissimilar properties. This amino acid position is conserved. In addition, this alteration is predicted to be deleterious by in silico analysis. Since supporting evidence is limited at this time, the clinical significance of this alteration remains unclear.

GeneDx
Classification: Uncertain significance. Last evaluated: 2020-02-21. Review status: criteria provided, single submitter. Criteria: GeneDx Variant Classification Process June 2021. Collection method: clinical testing. Allele origin: germline. Affected: yes.
Comment: Not observed in large population cohorts (Lek et al., 2016); In silico analysis supports that this missense variant has a deleterious effect on protein structure/function; Has not been previously published as pathogenic or benign to our knowledge